The following is an entry in ClinVar:

ClinVar aggregate classification (germline): Benign/Likely benign. Review status: criteria provided, multiple submitters, no conflicts (2 of 4 stars). 3 submissions from 3 submitters: Benign (2); Likely benign (1). Last evaluated 2026-02-01.

Allele frequency attached by ClinVar (database versions not stated): 1000 Genomes Project 30x 0.00016; 1000 Genomes Project 0.00020; TOPMed 0.00103; ESP Exome Variant Server 0.00119; gnomAD 0.00190 and 0.00199.
gnomAD v4.1: 2,380 of 1,610,842 alleles (0.15%); highest among the groups gnomAD compares: Non-Finnish European, 0.15%; 10 homozygotes.

Submissions (3):

CeGaT Center for Human Genetics Tuebingen
Classification: Likely benign. Last evaluated: 2026-02-01. Review status: criteria provided, single submitter. Criteria: CeGaT Center For Human Genetics Tuebingen Variant Classification Criteria Version 2. Collection method: clinical testing. Allele origin: germline. Affected: yes. Observed: 2 variant alleles.
Comment: PDE3A: BP4, BS1

Labcorp Genetics (formerly Invitae), Labcorp
Classification: Benign. Last evaluated: 2026-01-12. Review status: criteria provided, single submitter. Criteria: Invitae Variant Classification Sherloc (09022015). Collection method: clinical testing. Allele origin: germline.

Breakthrough Genomics
Classification: Benign. Review status: criteria provided, single submitter. Criteria: ACMG Guidelines, 2015. Collection method: not provided. Allele origin: germline. Inheritance: Autosomal dominant inheritance. Affected: yes.

NM_000921.5(PDE3A):c.402G>T (p.Ala134=)

Genes: PDE3A (phosphodiesterase 3A; plus strand), PDE3A-AS1 (PDE3A antisense RNA 1; minus strand), LOC124625920 (Sharpr-MPRA regulatory region 8059; plus strand). Cytogenetic location: 12p12.2.
Variant type: single nucleotide variant.
Coding change: c.402G>T on transcript NM_000921.5 (MANE Select); coding-DNA position 402, G replaced by T.
Protein change: p.Ala134=; no amino-acid change (alanine 134 retained).
Molecular consequence: synonymous variant. On other transcripts: 5 prime UTR variant (1).
Genome position (GRCh38, 1-based): chr12:20,369,686, G>T. VCF-style: chr12-20369686-G-T. GRCh37 (hg19) VCF-style: chr12-20522620-G-T.
Other names: c.402G>T, p.Ala134= (NM_001378407.1); c.-627G>T (NM_001378408.1).
Identifiers: ClinVar variation 1595223 (VCV001595223.29), dbSNP rs145887541, ClinGen allele CA6473412.